The following is an entry in ClinVar:

ClinVar aggregate classification (germline): Uncertain significance. Review status: criteria provided, multiple submitters, no conflicts (2 of 4 stars). 2 submissions from 2 submitters: Uncertain significance (2). Last evaluated 2024-06-25.

Conditions:
Congenital myasthenic syndrome 17. Identifiers: Orphanet 590, MedGen C4225377, MONDO:0014578, OMIM 616304.
Cenani-Lenz syndactyly syndrome. Also called: CENANI SYNDACTYLISM; SYNDACTYLY, TYPE VII. Identifiers: Orphanet 3258, MedGen C1859309, MONDO:0008931, OMIM 212780.
Sclerosteosis 2 (SOST2). Identifiers: Orphanet 3152, MedGen C3280402, MONDO:0013679, OMIM 614305.

Allele frequency attached by ClinVar (database versions not stated): gnomAD exomes 0.00001 and 0.00003; ExAC 0.00002; gnomAD 0.00002; TOPMed 0.00003.
gnomAD v4.1: 21 of 1,614,030 alleles (0.0013%); highest among the groups gnomAD compares: African/African-American, 0.0067%; no homozygotes.

Submissions (2):

Fulgent Genetics
Classification: Uncertain significance for Cenani-Lenz syndactyly syndrome; Sclerosteosis 2; Congenital myasthenic syndrome 17. Last evaluated: 2024-06-25. Review status: criteria provided, single submitter. Criteria: ACMG Guidelines, 2015. Collection method: clinical testing. Allele origin: germline.

Labcorp Genetics (formerly Invitae), Labcorp
Classification: Uncertain significance for Cenani-Lenz syndactyly syndrome; Sclerosteosis 2; Congenital myasthenic syndrome 17. Last evaluated: 2023-07-07. Review status: criteria provided, single submitter. Criteria: Invitae Variant Classification Sherloc (09022015). Collection method: clinical testing. Allele origin: germline.
Comment: In summary, the available evidence is currently insufficient to determine the role of this variant in disease. Therefore, it has been classified as a Variant of Uncertain Significance. Advanced modeling of protein sequence and biophysical properties (such as structural, functional, and spatial information, amino acid conservation, physicochemical variation, residue mobility, and thermodynamic stability) performed at Invitae indicates that this missense variant is not expected to disrupt LRP4 protein function. ClinVar contains an entry for this variant (Variation ID: 1447052). This variant has not been reported in the literature in individuals affected with LRP4-related conditions. The frequency data for this variant in the population databases is considered unreliable, as metrics indicate poor data quality at this position in the gnomAD database. This sequence change replaces arginine, which is basic and polar, with glutamine, which is neutral and polar, at codon 491 of the LRP4 protein (p.Arg491Gln).

NM_002334.4(LRP4):c.1472G>A (p.Arg491Gln)

Gene: LRP4 (LDL receptor related protein 4; minus strand). Cytogenetic location: 11p11.2.
Variant type: single nucleotide variant.
Coding change: c.1472G>A on transcript NM_002334.4 (MANE Select); coding-DNA position 1472, G replaced by A.
Protein change: p.Arg491Gln; replaces arginine 491 with glutamine.
Molecular consequence: missense variant.
Genome position (GRCh38, 1-based): chr11:46,894,657, C>T on the plus strand (G>A on the coding strand, the complement: LRP4 is on the minus strand). VCF-style: chr11-46894657-C-T. GRCh37 (hg19) VCF-style: chr11-46916208-C-T.
Other names: short protein forms R491Q.
Identifiers: ClinVar variation 1447052 (VCV001447052.7), dbSNP rs774924956, ClinGen allele CA5970145.